The following is an entry in ClinVar:

ClinVar aggregate classification (germline): Pathogenic (1 of 4 stars; one submission).

Conditions:
Fanconi anemia (FA). Also called: Fanconi's anemia. Identifiers: Orphanet 84, MedGen C0015625, MeSH D005199, MONDO:0019391.

Submission:

Labcorp Genetics (formerly Invitae), Labcorp
Classification: Pathogenic for Fanconi anemia. Last evaluated: 2026-01-18. Review status: criteria provided, single submitter. Criteria: Invitae Variant Classification Sherloc (09022015). Collection method: clinical testing. Allele origin: germline.
Comment: This sequence change creates a premature translational stop signal (p.Gly202*) in the FANCG gene. It is expected to result in an absent or disrupted protein product. Loss-of-function variants in FANCG are known to be pathogenic (PMID: 12552564). This variant is not present in population databases (gnomAD no frequency). This variant has not been reported in the literature in individuals affected with FANCG-related conditions. ClinVar contains an entry for this variant (Variation ID: 1456128). Algorithms developed to predict the effect of sequence changes on RNA splicing suggest that this variant may disrupt the consensus splice site. For these reasons, this variant has been classified as Pathogenic.

Literature cited by the submitters: PubMed 12552564.

NM_004629.2(FANCG):c.604G>T (p.Gly202Ter)

Gene: FANCG (FA complementation group G; minus strand). Cytogenetic location: 9p13.3.
Variant type: single nucleotide variant.
Coding change: c.604G>T on transcript NM_004629.2 (MANE Select); coding-DNA position 604, G replaced by T.
Protein change: p.Gly202Ter; replaces glycine 202 with a stop codon.
Molecular consequence: nonsense.
Genome position (GRCh38, 1-based): chr9:35,077,306, C>A on the plus strand (G>T on the coding strand, the complement: FANCG is on the minus strand). VCF-style: chr9-35077306-C-A. GRCh37 (hg19) VCF-style: chr9-35077303-C-A.
Other names: short protein forms G202*.
Identifiers: ClinVar variation 1456128 (VCV001456128.6), dbSNP rs1449918930, ClinGen allele CA373314027.
Genomic context (GRCh38, chr9:35,077,306, plus strand): 5'-GTCAGGTTGCTAGCTGACCTTGGCGGTAGGCAAATGCTGTCAGGAGGACATCCTTCAATC[C>A]CTGGGCATCCTGCAGGGTCAATGGAGCATCTAATTCCTCAGCTGGGGGACTCCAAGTTTT-3'